The following is an entry in ClinVar:

NM_001330078.2(NRXN1):c.1858G>A (p.Glu620Lys)

Gene: NRXN1 (neurexin 1; minus strand). Cytogenetic location: 2p16.3.
Variant type: single nucleotide variant.
Coding change: c.1858G>A on transcript NM_001330078.2 (MANE Select); coding-DNA position 1858, G replaced by A.
Protein change: p.Glu620Lys; replaces glutamic acid 620 with lysine.
Molecular consequence: missense variant.
Genome position (GRCh38, 1-based): chr2:50,538,538, C>T on the plus strand (G>A on the coding strand, the complement: NRXN1 is on the minus strand). VCF-style: chr2-50538538-C-T. GRCh37 (hg19) VCF-style: chr2-50765676-C-T.
Other names: c.1978G>A (NM_001135659.1); c.1978G>A, p.Glu660Lys (NM_001135659.3); c.1834G>A, p.Glu612Lys (NM_001330077.2, NM_001330082.2, NM_001330095.2); c.1819G>A, p.Glu607Lys (NM_001330083.2, NM_001330084.2); c.1858G>A, p.Glu620Lys (NM_001330085.2, NM_001330086.2, NM_004801.6); c.1774G>A, p.Glu592Lys (NM_001330087.2, NM_001330096.2); c.1804G>A, p.Glu602Lys (NM_001330088.2); c.1855G>A, p.Glu619Lys (NM_001330093.2); and 1 more; short protein forms E607K, E616K, E619K, E602K, E612K, E620K, E592K, E660K.
Identifiers: ClinVar variation 1481388 (VCV001481388.7), dbSNP rs373626168, ClinGen allele CA1654964.

ClinVar aggregate classification (germline): Uncertain significance. Review status: criteria provided, multiple submitters, no conflicts (2 of 4 stars). 2 submissions from 2 submitters: Uncertain significance (2). Last evaluated 2025-09-17.

Conditions:
Inborn genetic diseases. Identifiers: MedGen C0950123, MeSH D030342.
Pitt-Hopkins-like syndrome 2 (PTHSL2). Identifiers: Orphanet 221150, Orphanet 600663, MedGen C3280479, MONDO:0013690, OMIM 614325.

Allele frequency attached by ClinVar (database versions not stated): gnomAD exomes below 0.00001; gnomAD 0.00001; TOPMed 0.00001; ExAC 0.00002; ESP Exome Variant Server 0.00008.
gnomAD v4.1: 6 of 1,590,276 alleles (0.00038%); highest among the groups gnomAD compares: Non-Finnish European, 0.00051%; no homozygotes.

Submissions (2):

Labcorp Genetics (formerly Invitae), Labcorp
Classification: Uncertain significance for Pitt-Hopkins-like syndrome 2. Last evaluated: 2025-09-17. Review status: criteria provided, single submitter. Criteria: Invitae Variant Classification Sherloc (09022015). Collection method: clinical testing. Allele origin: germline.
Comment: This sequence change replaces glutamic acid, which is acidic and polar, with lysine, which is basic and polar, at codon 660 of the NRXN1 protein (p.Glu660Lys). This variant is present in population databases (rs373626168, gnomAD 0.002%). This variant has not been reported in the literature in individuals affected with NRXN1-related conditions. ClinVar contains an entry for this variant (Variation ID: 1481388). An algorithm developed to predict the effect of missense changes on protein structure and function (PolyPhen-2) suggests that this variant is likely to be disruptive. In summary, the available evidence is currently insufficient to determine the role of this variant in disease. Therefore, it has been classified as a Variant of Uncertain Significance.

Ambry Genetics
Classification: Uncertain significance for Inborn genetic diseases. Last evaluated: 2023-08-15. Review status: criteria provided, single submitter. Criteria: Ambry Variant Classification Scheme 2023. Collection method: clinical testing. Allele origin: germline.